The following is an entry in ClinVar:

ClinVar aggregate classification (germline): Uncertain significance. Review status: criteria provided, multiple submitters, no conflicts (2 of 4 stars). 3 submissions from 3 submitters: Uncertain significance (3). Last evaluated 2025-07-30.

Conditions:
Hereditary cancer-predisposing syndrome. Also called: Hereditary neoplastic syndrome; Neoplastic Syndromes, Hereditary; Hereditary Cancer Syndrome; Tumor predisposition. Identifiers: Orphanet 140162, MedGen C0027672, MeSH D009386, MONDO:0015356.
Hereditary pheochromocytoma and paraganglioma. Also called: Hereditary pheochromocytoma-paraganglioma; Hereditary Paraganglioma-Pheochromocytoma Syndromes; Hereditary paragangliomas and pheochromocytomas. Identifiers: Orphanet 29072, MedGen C4274332, MONDO:0017366.
Pheochromocytoma. Also called: MAX-Related Hereditary Paraganglioma-Pheochromocytoma Syndrome. Identifiers: Orphanet 29072, MedGen C0031511, MONDO:0008233, OMIM 171300, HP:0002666.
Gastrointestinal stromal tumor. Also called: Gastrointestinal stromal tumor, somatic; Gastrointestinal stroma tumor. Identifiers: Orphanet 44890, MedGen C0238198, MeSH D046152, MONDO:0011719, OMIM 606764, HP:0100723.
Pheochromocytoma/paraganglioma syndrome 4. Also called: SDHB-Related Hereditary Paraganglioma-Pheochromocytoma Syndrome; PARAGANGLIOMA, FAMILIAL MALIGNANT; PARAGANGLIOMAS, HEREDITARY EXTRAADRENAL; PHEOCHROMOCYTOMA, FAMILIAL EXTRAADRENAL; Paragangliomas 4; CAROTID BODY TUMORS AND MULTIPLE EXTRAADRENAL PHEOCHROMOCYTOMAS. Identifiers: Orphanet 29072, MedGen C1861848, MONDO:0007273, OMIM 115310.

Allele frequency attached by ClinVar (database versions not stated): gnomAD exomes below 0.00001; ExAC 0.00001.

Submissions (3):

Ambry Genetics
Classification: Uncertain significance for Hereditary cancer-predisposing syndrome. Last evaluated: 2025-07-30. Review status: criteria provided, single submitter. Criteria: Ambry Variant Classification Scheme 2023. Collection method: clinical testing. Allele origin: germline.
Comment: The p.D142V variant (also known as c.425A>T), located in coding exon 5 of the SDHB gene, results from an A to T substitution at nucleotide position 425. The aspartic acid at codon 142 is replaced by valine, an amino acid with highly dissimilar properties. This variant has been reported in an individual diagnosed with thyroid cancer (Ni Y et al. Endocr Relat Cancer, 2015 Apr;22:121-30). This amino acid position is highly conserved in available vertebrate species. In addition, this alteration is predicted to be deleterious by in silico analysis. Based on the available evidence, the clinical significance of this variant remains unclear.

Color Diagnostics, LLC DBA Color Health
Classification: Uncertain significance for Hereditary pheochromocytoma and paraganglioma. Last evaluated: 2025-06-03. Review status: criteria provided, single submitter. Criteria: ACMG Guidelines, 2015. Collection method: clinical testing. Allele origin: germline.
Comment: This missense variant replaces aspartic acid with valine at codon 142 of the SDHB protein. Computational prediction suggests that this variant may have deleterious impact on protein structure and function. To our knowledge, functional studies have not been reported for this variant. This variant has been reported in an individual affected with thyroid cancer (PMID: 25694510). This variant has been identified in 1/250840 chromosomes in the general population by the Genome Aggregation Database (gnomAD). The available evidence is insufficient to determine the role of this variant in disease conclusively. Therefore, this variant is classified as a Variant of Uncertain Significance.

Labcorp Genetics (formerly Invitae), Labcorp
Classification: Uncertain significance for Gastrointestinal stromal tumor; Pheochromocytoma/paraganglioma syndrome 4; Pheochromocytoma. Last evaluated: 2023-09-30. Review status: criteria provided, single submitter. Criteria: Invitae Variant Classification Sherloc (09022015). Collection method: clinical testing. Allele origin: germline.
Comment: In summary, the available evidence is currently insufficient to determine the role of this variant in disease. Therefore, it has been classified as a Variant of Uncertain Significance. An algorithm developed to predict the effect of missense changes on protein structure and function (PolyPhen-2) suggests that this variant is likely to be disruptive. ClinVar contains an entry for this variant (Variation ID: 565490). This missense change has been observed in individual(s) with thyroid cancer (PMID: 25694510). This variant is present in population databases (rs759709073, gnomAD 0.0009%). This sequence change replaces aspartic acid, which is acidic and polar, with valine, which is neutral and non-polar, at codon 142 of the SDHB protein (p.Asp142Val).

Literature cited by the submitters: PubMed 25694510 (cited by 3 submitters).

NM_003000.3(SDHB):c.425A>T (p.Asp142Val)

Gene: SDHB (succinate dehydrogenase complex iron sulfur subunit B; minus strand). Cytogenetic location: 1p36.13.
Variant type: single nucleotide variant.
Coding change: c.425A>T on transcript NM_003000.3 (MANE Select); coding-DNA position 425, A replaced by T.
Protein change: p.Asp142Val; replaces aspartic acid 142 with valine.
Molecular consequence: missense variant.
Genome position (GRCh38, 1-based): chr1:17,027,864, T>A on the plus strand (A>T on the coding strand, the complement: SDHB is on the minus strand). VCF-style: chr1-17027864-T-A. GRCh37 (hg19) VCF-style: chr1-17354359-T-A.
Other names: short protein forms D142V.
Identifiers: ClinVar variation 565490 (VCV000565490.10), dbSNP rs759709073, ClinGen allele CA089626.
Genomic context (GRCh38, chr1:17,027,864, plus strand): 5'-TCATCCTTCTTCTTCAAATAAGGCTCAATGGATTTGTACTGTGCATAGAAGTTGCTCAAA[T>A]CCTGTGGTTAAGAGGAAGAAGAAGAAGAAGAAGAAGAAAAGGATCAGATTCCATCATCAC-3'
Protein context (NP_002991.2, residues 132-152): HMYVIKDLVP[Asp142Val]LSNFYAQYKS